The following is an entry in ClinVar:

NM_030958.3(SLCO5A1):c.662C>G (p.Pro221Arg)

Gene: SLCO5A1 (solute carrier organic anion transporter family member 5A1; minus strand). Cytogenetic location: 8q13.3.
Variant type: single nucleotide variant.
Coding change: c.662C>G on transcript NM_030958.3 (MANE Select); coding-DNA position 662, C replaced by G.
Protein change: p.Pro221Arg; replaces proline 221 with arginine.
Molecular consequence: missense variant.
Genome position (GRCh38, 1-based): chr8:69,832,012, G>C on the plus strand (C>G on the coding strand, the complement: SLCO5A1 is on the minus strand). VCF-style: chr8-69832012-G-C. GRCh37 (hg19) VCF-style: chr8-70744247-G-C.
Other names: c.662C>G (NM_030958.2); c.662C>G, p.Pro221Arg (NM_001146008.2, NM_001146009.1); short protein forms P221R.
Identifiers: ClinVar variation 1477032 (VCV001477032.7), dbSNP rs762870502, ClinGen allele CA4776766.

ClinVar aggregate classification (germline): Uncertain significance. Review status: criteria provided, multiple submitters, no conflicts (2 of 4 stars). 2 submissions from 2 submitters: Uncertain significance (2). Last evaluated 2025-11-20.

gnomAD v4.1: 32 of 1,601,898 alleles (0.002%); highest among the groups gnomAD compares: Non-Finnish European, 0.0025%; no homozygotes.

Submissions (2):

Ambry Genetics
Classification: Uncertain significance. Last evaluated: 2025-11-20. Review status: criteria provided, single submitter. Criteria: Ambry Variant Classification Scheme 2023. Collection method: clinical testing. Allele origin: germline.

Labcorp Genetics (formerly Invitae), Labcorp
Classification: Uncertain significance. Last evaluated: 2024-10-22. Review status: criteria provided, single submitter. Criteria: Invitae Variant Classification Sherloc (09022015). Collection method: clinical testing. Allele origin: germline.
Comment: This sequence change replaces proline, which is neutral and non-polar, with arginine, which is basic and polar, at codon 221 of the SLCO5A1 protein (p.Pro221Arg). This variant is present in population databases (rs762870502, gnomAD 0.003%). This variant has not been reported in the literature in individuals affected with SLCO5A1-related conditions. ClinVar contains an entry for this variant (Variation ID: 1477032). An algorithm developed to predict the effect of missense changes on protein structure and function (PolyPhen-2) suggests that this variant is likely to be tolerated. In summary, the available evidence is currently insufficient to determine the role of this variant in disease. Therefore, it has been classified as a Variant of Uncertain Significance.